The following is an entry in ClinVar:

NM_001114753.3(ENG):c.1326C>A (p.Cys442Ter)

Genes: ENG (endoglin; minus strand), LOC102723566 (uncharacterized LOC102723566; plus strand). Cytogenetic location: 9q34.11.
Variant type: single nucleotide variant.
Coding change: c.1326C>A on transcript NM_001114753.3 (MANE Select); coding-DNA position 1326, C replaced by A.
Protein change: p.Cys442Ter; replaces cysteine 442 with a stop codon.
Molecular consequence: nonsense.
Genome position (GRCh38, 1-based): chr9:127,818,818, G>T on the plus strand (C>A on the coding strand, the complement: ENG is on the minus strand). VCF-style: chr9-127818818-G-T. GRCh37 (hg19) VCF-style: chr9-130581097-G-T.
Other names: c.1326C>A, p.Cys442Ter (NM_000118.4); c.780C>A, p.Cys260Ter (NM_001278138.2); short protein forms C442*, C260*.
Identifiers: ClinVar variation 453196 (VCV000453196.13), dbSNP rs1554809361, ClinGen allele CA374977872.
Genomic context (GRCh38, chr9:127,818,818, plus strand): 5'-CTGGAGGAAGTGTGGGCTGAGGTAGAGGCCCAGCTGGAAAGAGAGGCTGTCCATGTTGAG[G>T]CAGTGCACCTTTTTCTGGGGGAGGACGGGAGGGAGACTTGGTCAATCTGGCGGCGCCAGC-3'

ClinVar aggregate classification (germline): Pathogenic. Review status: criteria provided, multiple submitters, no conflicts (2 of 4 stars). 3 submissions from 3 submitters: Pathogenic (3). Last evaluated 2025-05-04.

Conditions:
Cardiovascular phenotype. Identifiers: MedGen CN230736.
Hereditary hemorrhagic telangiectasia (HHT). Also called: ORW DISEASE; Osler Weber Rendu syndrome; OSLER-RENDU-WEBER DISEASE; Osler hemorrhagic telangiectasia syndrome. Identifiers: Orphanet 774, MedGen C0039445, MONDO:0019180. Disease mechanism: loss of function.

Submissions (3):

Labcorp Genetics (formerly Invitae), Labcorp
Classification: Pathogenic for Hereditary hemorrhagic telangiectasia. Last evaluated: 2025-05-04. Review status: criteria provided, single submitter. Criteria: Invitae Variant Classification Sherloc (09022015). Collection method: clinical testing. Allele origin: germline.
Comment: This sequence change creates a premature translational stop signal (p.Cys442*) in the ENG gene. It is expected to result in an absent or disrupted protein product. Loss-of-function variants in ENG are known to be pathogenic (PMID: 15879500). This variant is not present in population databases (gnomAD no frequency). This variant has not been reported in the literature in individuals affected with ENG-related conditions. ClinVar contains an entry for this variant (Variation ID: 453196). For these reasons, this variant has been classified as Pathogenic.

GeneDx
Classification: Pathogenic. Last evaluated: 2017-11-09. Review status: criteria provided, single submitter. Criteria: GeneDx Variant Classification (06012015). Collection method: clinical testing. Allele origin: germline. Affected: yes.
Comment: The C442X variant in the ENG gene has not been reported as a pathogenic or benign to our knowledge. This variant is predicted to cause loss of normal protein function either by protein truncation or nonsense-mediated mRNA decay. Other nonsense variants in the ENG gene have been reported in Human Gene Mutation Database in association with HHT (Stenson et al., 2014). Furthermore, the C442X variant is not observed in large population cohorts (Lek et al., 2016).

Ambry Genetics
Classification: Pathogenic for Cardiovascular phenotype. Last evaluated: 2015-03-03. Review status: criteria provided, single submitter. Criteria: Ambry Variant Classification Scheme 2023. Collection method: clinical testing. Allele origin: germline.
Comment: The p.C442* pathogenic mutation (also known as c.1326C>A), located in coding exon 11 of the ENG gene, results from a C to A substitution at nucleotide position 1326. This changes the amino acid from a cysteine to a stop codon within coding exon 11. Since premature stop codons are typically deleterious in nature, this alteration is interpreted as a disease-causing mutation (ACMG Recommendations for Standards for Interpretation and Reporting of Sequence Variations. Revision 2007. Genet Med. 2008;10:294).

Literature cited by the submitters: PubMed 15879500 (cited by Labcorp Genetics (formerly Invitae), Labcorp).